The following is an entry in ClinVar:

NM_000238.4(KCNH2):c.2965+15G>A

Gene: KCNH2 (potassium voltage-gated channel subfamily H member 2; minus strand). Cytogenetic location: 7q36.1.
Variant type: single nucleotide variant.
Coding change: c.2965+15G>A on transcript NM_000238.4 (MANE Select); 15 bases into the intron after coding-DNA position 2965, G replaced by A.
Molecular consequence: intron variant.
Genome position (GRCh38, 1-based): chr7:150,947,591, C>T on the plus strand (G>A on the coding strand, the complement: KCNH2 is on the minus strand). VCF-style: chr7-150947591-C-T. GRCh37 (hg19) VCF-style: chr7-150644679-C-T.
Other names: c.1945+15G>A (NM_172057.3).
Identifiers: ClinVar variation 377960 (VCV000377960.12), dbSNP rs750330550, ClinGen allele CA16605266.
Genomic context (GRCh38, chr7:150,947,591, plus strand): 5'-GAGCTGGGTGAGCGGGGTAGACGCACCACCGCTGCCACGCCCGGTCCTCCCTCGCCCGCC[C>T]GTCGCCCGGGATACCTGACAGGGGGTTGCAAGTGTCGCTGCTCTTCTCGCAGTCCTCCAT-3'

ClinVar aggregate classification (germline): Conflicting classifications of pathogenicity. Review status: criteria provided, conflicting classifications (1 of 4 stars). 3 submissions from 3 submitters: Uncertain significance (1); Likely benign (2). Last evaluated 2025-11-03.

Conditions:
Long QT syndrome (LQTS). Identifiers: MedGen C0023976, MeSH D008133, MONDO:0002442. Disease mechanism: loss of function. Inheritance: Various modes of inheritance.
Long QT syndrome 2 (LQT2). Identifiers: Orphanet 101016, Orphanet 768, MedGen C3150943, MONDO:0013367, OMIM 613688.

Allele frequency attached by ClinVar (database versions not stated): TOPMed 0.00006.
gnomAD v4.1: 18 of 1,611,368 alleles (0.0011%); highest among the groups gnomAD compares: Admixed American, 0.0033%; no homozygotes.

Submissions (3):

Labcorp Genetics (formerly Invitae), Labcorp
Classification: Likely benign for Long QT syndrome. Last evaluated: 2025-11-03. Review status: criteria provided, single submitter. Criteria: Invitae Variant Classification Sherloc (09022015). Collection method: clinical testing. Allele origin: germline.

Illumina Laboratory Services, Illumina
Classification: Uncertain significance for Long QT syndrome 2. Last evaluated: 2018-01-12. Review status: criteria provided, single submitter. Criteria: ICSL Variant Classification Criteria 13 December 2019. Collection method: clinical testing. Allele origin: germline.

GeneDx
Classification: Likely benign. Last evaluated: 2016-01-04. Review status: criteria provided, single submitter. Criteria: GeneDx Variant Classification (06012015). Collection method: clinical testing. Allele origin: germline. Affected: yes.
Comment: This variant is considered likely benign or benign based on one or more of the following criteria: it is a conservative change, it occurs at a poorly conserved position in the protein, it is predicted to be benign by multiple in silico algorithms, and/or has population frequency not consistent with disease.